The following is an entry in ClinVar:

ClinVar aggregate classification (germline): Uncertain significance. Review status: criteria provided, multiple submitters, no conflicts (2 of 4 stars). 2 submissions from 2 submitters: Uncertain significance (2). Last evaluated 2023-10-13.

Conditions:
Severe combined immunodeficiency due to LCK deficiency. Also called: Immunodeficiency 22. Identifiers: Orphanet 280142, MedGen C4014233, MONDO:0014334, OMIM 615758.

Allele frequency attached by ClinVar (database versions not stated): gnomAD 0.00001; TOPMed 0.00001; ExAC 0.00003; 1000 Genomes Project 0.00020; 1000 Genomes Project 30x 0.00031.
gnomAD v4.1: 8 of 1,608,742 alleles (0.0005%); highest among the groups gnomAD compares: African/African-American, 0.0013%; no homozygotes.

Submissions (2):

Labcorp Genetics (formerly Invitae), Labcorp
Classification: Uncertain significance for Severe combined immunodeficiency due to LCK deficiency. Last evaluated: 2023-10-13. Review status: criteria provided, single submitter. Criteria: Invitae Variant Classification Sherloc (09022015). Collection method: clinical testing. Allele origin: germline.
Comment: This sequence change replaces arginine, which is basic and polar, with glutamine, which is neutral and polar, at codon 219 of the LCK protein (p.Arg219Gln). This variant is present in population databases (rs527608634, gnomAD 0.007%). This variant has not been reported in the literature in individuals affected with LCK-related conditions. ClinVar contains an entry for this variant (Variation ID: 1953180). An algorithm developed to predict the effect of missense changes on protein structure and function (PolyPhen-2) suggests that this variant is likely to be tolerated. In summary, the available evidence is currently insufficient to determine the role of this variant in disease. Therefore, it has been classified as a Variant of Uncertain Significance.

Ambry Genetics
Classification: Uncertain significance. Last evaluated: 2023-05-15. Review status: criteria provided, single submitter. Criteria: Ambry Variant Classification Scheme 2023. Collection method: clinical testing. Allele origin: germline.

NM_005356.5(LCK):c.656G>A (p.Arg219Gln)

Gene: LCK (LCK proto-oncogene, Src family tyrosine kinase; plus strand). Cytogenetic location: 1p35.2.
Variant type: single nucleotide variant.
Coding change: c.656G>A on transcript NM_005356.5 (MANE Select); coding-DNA position 656, G replaced by A.
Protein change: p.Arg219Gln; replaces arginine 219 with glutamine.
Molecular consequence: missense variant. On other transcripts: intron variant (1).
Genome position (GRCh38, 1-based): chr1:32,276,361, G>A. VCF-style: chr1-32276361-G-A. GRCh37 (hg19) VCF-style: chr1-32741962-G-A.
Other names: c.656G>A (NM_005356.3); c.656G>A, p.Arg219Gln (NM_001042771.3); c.632-246G>A (NM_001330468.2); short protein forms R219Q.
Identifiers: ClinVar variation 1953180 (VCV001953180.7), dbSNP rs527608634, ClinGen allele CA741182.
Genomic context (GRCh38, chr1:32,276,361, plus strand): 5'-CTATTGACAGCCTTCACCCCTCCCTCGTCCTCGCAGATGCTTCAGATGGGCTGTGCACAC[G>A]GTTGAGCCGCCCCTGCCAGACCCAGAAGCCCCAGAAGCCGTGGTGGGAGGACGAGTGGGA-3'
Protein context (NP_005347.3, residues 209-229): YTNASDGLCT[Arg219Gln]LSRPCQTQKP